The following is an entry in ClinVar:

ClinVar aggregate classification (germline): Uncertain significance (1 of 4 stars; one submission).

Submission:

GeneDx
Classification: Uncertain significance. Last evaluated: 2022-09-26. Review status: criteria provided, single submitter. Criteria: GeneDx Variant Classification Process June 2021. Collection method: clinical testing. Allele origin: germline. Affected: yes.
Comment: Not observed at significant frequency in large population cohorts (gnomAD); In silico analysis supports that this missense variant has a deleterious effect on protein structure/function; Has not been previously published as pathogenic or benign to our knowledge

NM_020442.6(VARS2):c.1373A>G (p.His458Arg)

Gene: VARS2 (valyl-tRNA synthetase 2, mitochondrial; plus strand). Cytogenetic location: 6p21.33.
Variant type: single nucleotide variant.
Coding change: c.1373A>G on transcript NM_020442.6 (MANE Select); coding-DNA position 1373, A replaced by G.
Protein change: p.His458Arg; replaces histidine 458 with arginine.
Molecular consequence: missense variant.
Genome position (GRCh38, 1-based): chr6:30,920,412, A>G. VCF-style: chr6-30920412-A-G. GRCh37 (hg19) VCF-style: chr6-30888189-A-G.
Other names: c.953A>G, p.His318Arg (NM_001167733.3); c.1463A>G, p.His488Arg (NM_001167734.2); short protein forms H318R, H458R, H488R.
Identifiers: ClinVar variation 2446161 (VCV002446161.1), dbSNP rs2538655614, ClinGen allele CA363173099.
Genomic context (GRCh38, chr6:30,920,412, plus strand): 5'-CCCGGGAAAAGATAATGTCTGTGCTGAGTGAATGGGGCCTGTTCCGGGGCCTCCAGAACC[A>G]CCCCATGGTACTGCCCATCTGCAGGTAACCTCATTTTAACTCCTTTACTAAGGGCTACCC-3'
Protein context (NP_065175.4, residues 448-468): EWGLFRGLQN[His458Arg]PMVLPICSRS